The following is an entry in ClinVar:

ClinVar aggregate classification (germline): Likely benign (1 of 4 stars; one submission).

Allele frequency attached by ClinVar (database versions not stated): gnomAD exomes below 0.00001 and 0.00001; gnomAD 0.00001; ExAC 0.00010; 1000 Genomes Project 30x 0.00016; 1000 Genomes Project 0.00020.
gnomAD v4.1: 4 of 1,548,884 alleles (0.00026%); highest among the groups gnomAD compares: South Asian, 0.0035%; no homozygotes.

Submission:

GeneDx
Classification: Likely benign. Last evaluated: 2016-03-16. Review status: criteria provided, single submitter. Criteria: GeneDx Variant Classification (06012015). Collection method: clinical testing. Allele origin: germline. Affected: yes.
Comment: This variant is considered likely benign or benign based on one or more of the following criteria: it is a conservative change, it occurs at a poorly conserved position in the protein, it is predicted to be benign by multiple in silico algorithms, and/or has population frequency not consistent with disease.

NM_172107.4(KCNQ2):c.690+3G>A

Gene: KCNQ2 (potassium voltage-gated channel subfamily Q member 2; minus strand). Cytogenetic location: 20q13.33.
Variant type: single nucleotide variant.
Coding change: c.690+3G>A on transcript NM_172107.4 (MANE Select); 3 bases into the intron after coding-DNA position 690, G replaced by A.
Molecular consequence: intron variant.
Genome position (GRCh38, 1-based): chr20:63,444,656, C>T on the plus strand (G>A on the coding strand, the complement: KCNQ2 is on the minus strand). VCF-style: chr20-63444656-C-T. GRCh37 (hg19) VCF-style: chr20-62076009-C-T.
Other names: c.690+3G>A (NM_004518.6, NM_172108.5, NM_172106.3 and 1 more transcripts).
Identifiers: ClinVar variation 384830 (VCV000384830.1), dbSNP rs540295078, ClinGen allele CA9958769.
Genomic context (GRCh38, chr20:63,444,656, plus strand): 5'-GGTCTGGGCCAGGACTCTCGCTGGCTGGGGGCGCCCACCGCCAGCCTTGGGGCCGTGACT[C>T]ACCTTGCTGTGGGCATAGACCACAGAGCCCAGCAGCTTCCAGGTGCCTCCCCGCCGGTCC-3'